The following is an entry in ClinVar:

NM_000535.7(PMS2):c.14A>T (p.Glu5Val)

Gene: PMS2 (PMS1 homolog 2, mismatch repair system component; minus strand). Cytogenetic location: 7p22.1.
Variant type: single nucleotide variant.
Coding change: c.14A>T on transcript NM_000535.7 (MANE Select); coding-DNA position 14, A replaced by T.
Protein change: p.Glu5Val; replaces glutamic acid 5 with valine.
Molecular consequence: missense variant. On other transcripts: 5 prime UTR variant (11), non-coding transcript variant (1).
Genome position (GRCh38, 1-based): chr7:6,009,006, T>A on the plus strand (A>T on the coding strand, the complement: PMS2 is on the minus strand). VCF-style: chr7-6009006-T-A. GRCh37 (hg19) VCF-style: chr7-6048637-T-A.
Other names: c.-62A>T (NM_001322008.2); c.-577A>T (NM_001322009.2); c.-582A>T (NM_001322005.2); c.14A>T, p.Glu5Val (NM_001322006.2, NM_001322014.2); c.-252A>T (NM_001322004.2, NM_001322010.2); c.-202A>T (NM_001322007.2); c.-387A>T (NM_001322003.2, NM_001322013.2); c.-871A>T (NM_001322011.2); and 2 more; short protein forms E5V.
Identifiers: ClinVar variation 231310 (VCV000231310.22), dbSNP rs876659080, ClinGen allele CA10578735.

ClinVar aggregate classification (germline): Uncertain significance. Review status: criteria provided, multiple submitters, no conflicts (2 of 4 stars). 7 submissions from 7 submitters: Uncertain significance (7). Last evaluated 2025-09-03.

Conditions:
Lynch syndrome. Identifiers: Orphanet 144, MedGen C4552100, MONDO:0005835. Disease mechanism: loss of function.
Lynch syndrome 4 (LYNCH4). Also called: Colorectal cancer, hereditary nonpolyposis, type 4; Hereditary non-polyposis colorectal cancer, type 4. Identifiers: Orphanet 144, MedGen C1838333, MONDO:0013699, OMIM 614337. Disease mechanism: loss of function.
Hereditary nonpolyposis colorectal neoplasms. Identifiers: MedGen C0009405, MeSH D003123.
Breast and/or ovarian cancer. Identifiers: MedGen CN221562.
Hereditary cancer-predisposing syndrome. Also called: Neoplastic Syndromes, Hereditary; Tumor predisposition; Hereditary Cancer Syndrome; Hereditary neoplastic syndrome. Identifiers: Orphanet 140162, MedGen C0027672, MeSH D009386, MONDO:0015356.

Allele frequency attached by ClinVar (database versions not stated): TOPMed below 0.00001; gnomAD 0.00001; gnomAD exomes 0.00001.
gnomAD v4.1: 8 of 1,612,464 alleles (0.0005%); highest among the groups gnomAD compares: Non-Finnish European, 0.00068%; no homozygotes.

Submissions (7):

Labcorp Genetics (formerly Invitae), Labcorp
Classification: Uncertain significance for Hereditary nonpolyposis colorectal neoplasms. Last evaluated: 2025-09-03. Review status: criteria provided, single submitter. Criteria: Invitae Variant Classification Sherloc (09022015). Collection method: clinical testing. Allele origin: germline.
Comment: This sequence change replaces glutamic acid, which is acidic and polar, with valine, which is neutral and non-polar, at codon 5 of the PMS2 protein (p.Glu5Val). This variant is not present in population databases (gnomAD no frequency). This variant has not been reported in the literature in individuals affected with PMS2-related conditions. ClinVar contains an entry for this variant (Variation ID: 231310). Invitae Evidence Modeling incorporating data from in vitro experimental studies (internal data) indicates that this missense variant is not expected to disrupt PMS2 function with a negative predictive value of 95%. In summary, the available evidence is currently insufficient to determine the role of this variant in disease. Therefore, it has been classified as a Variant of Uncertain Significance.

GeneDx
Classification: Uncertain significance. Last evaluated: 2025-08-08. Review status: criteria provided, single submitter. Criteria: GeneDx Variant Classification Process June 2021. Collection method: clinical testing. Allele origin: germline. Affected: yes.
Comment: Not observed at significant frequency in large population cohorts (gnomAD); In silico analysis suggests that this missense variant does not alter protein structure/function; Has not been previously published as pathogenic or benign to our knowledge; This variant is associated with the following publications: (PMID: 11574484)

Ambry Genetics
Classification: Uncertain significance for Hereditary cancer-predisposing syndrome. Last evaluated: 2024-09-01. Review status: criteria provided, single submitter. Criteria: Ambry Variant Classification Scheme 2023. Collection method: clinical testing. Allele origin: germline.
Comment: The p.E5V variant (also known as c.14A>T), located in coding exon 1 of the PMS2 gene, results from an A to T substitution at nucleotide position 14. The glutamic acid at codon 5 is replaced by valine, an amino acid with dissimilar properties. This amino acid position is not well conserved in available vertebrate species. In addition, the in silico prediction for this alteration is inconclusive. Since supporting evidence is limited at this time, the clinical significance of this alteration remains unclear.

All of Us Research Program, National Institutes of Health
Classification: Uncertain significance for Lynch syndrome. Last evaluated: 2024-06-17. Review status: criteria provided, single submitter. Criteria: ACMG Guidelines, 2015. Collection method: clinical testing. Allele origin: germline. Inheritance: Autosomal dominant inheritance. Observed: 2 variant alleles, 2 heterozygotes.
Comment: This missense variant replaces glutamic acid with valine at codon 5 of the PMS2 protein. Computational prediction suggests that this variant may not impact protein structure and function (internally defined REVEL score threshold <= 0.5, PMID: 27666373). To our knowledge, functional studies have not been reported for this variant. This variant has not been reported in individuals affected with PMS2-related disorders in the literature. This variant has not been identified in the general population by the Genome Aggregation Database (gnomAD). The available evidence is insufficient to determine the role of this variant in disease conclusively. Therefore, this variant is classified as a Variant of Uncertain Significance.

This study involves interpretation of variants in research participants for the purpose of population health screening. Participant phenotype was not available at the time of variant classification. Additional details can be found in publication PMID: 35346344, PMCID: PMC8962531

Color Diagnostics, LLC DBA Color Health
Classification: Uncertain significance for Hereditary cancer-predisposing syndrome. Last evaluated: 2024-03-06. Review status: criteria provided, single submitter. Criteria: ACMG Guidelines, 2015. Collection method: clinical testing. Allele origin: germline.
Comment: This missense variant replaces glutamic acid with valine at codon 5 of the PMS2 protein. Computational prediction suggests that this variant may not impact protein structure and function (internally defined REVEL score threshold <= 0.5, PMID: 27666373). To our knowledge, functional studies have not been reported for this variant. This variant has not been reported in individuals affected with PMS2-related disorders in the literature. This variant has not been identified in the general population by the Genome Aggregation Database (gnomAD). The available evidence is insufficient to determine the role of this variant in disease conclusively. Therefore, this variant is classified as a Variant of Uncertain Significance.

Baylor Genetics
Classification: Uncertain significance for Lynch syndrome 4. Last evaluated: 2023-07-01. Review status: criteria provided, single submitter. Criteria: ACMG Guidelines, 2015. Collection method: clinical testing. Allele origin: unknown.

CHEO Genetics Diagnostic Laboratory, Children's Hospital of Eastern Ontario
Classification: Uncertain significance for Breast and/or ovarian cancer. Last evaluated: 2021-09-20. Review status: criteria provided, single submitter. Criteria: ACMG Guidelines, 2015. Collection method: clinical testing. Allele origin: germline.